The following is an entry in ClinVar:

ClinVar aggregate classification (germline): Uncertain significance (1 of 4 stars; one submission).

Conditions:
Early-infantile DEE. Also called: Early infantile epileptic encephalopathy; Ohtahara syndrome; Early infantile epileptic encephalopathy with suppression bursts. Identifiers: Orphanet 1934, MedGen C0393706, MONDO:0800491.

Allele frequency attached by ClinVar (database versions not stated): gnomAD exomes 0.00001; TOPMed 0.00001; gnomAD 0.00003.
gnomAD v4.1: 14 of 1,613,974 alleles (0.00087%); highest among the groups gnomAD compares: Middle Eastern, 0.016%; no homozygotes.

Submission:

Labcorp Genetics (formerly Invitae), Labcorp
Classification: Uncertain significance for Early-infantile DEE. Last evaluated: 2022-10-13. Review status: criteria provided, single submitter. Criteria: Invitae Variant Classification Sherloc (09022015). Collection method: clinical testing. Allele origin: germline.
Comment: This sequence change replaces arginine, which is basic and polar, with tryptophan, which is neutral and slightly polar, at codon 121 of the ST3GAL3 protein (p.Arg121Trp). In summary, the available evidence is currently insufficient to determine the role of this variant in disease. Therefore, it has been classified as a Variant of Uncertain Significance. Advanced modeling of protein sequence and biophysical properties (such as structural, functional, and spatial information, amino acid conservation, physicochemical variation, residue mobility, and thermodynamic stability) performed at Invitae indicates that this missense variant is not expected to disrupt ST3GAL3 protein function. This variant has not been reported in the literature in individuals affected with ST3GAL3-related conditions. This variant is present in population databases (no rsID available, gnomAD 0.006%).

NM_006279.5(ST3GAL3):c.361C>T (p.Arg121Trp)

Gene: ST3GAL3 (ST3 beta-galactoside alpha-2,3-sialyltransferase 3; plus strand). Cytogenetic location: 1p34.1.
Variant type: single nucleotide variant.
Coding change: c.361C>T on transcript NM_006279.5 (MANE Select); coding-DNA position 361, C replaced by T.
Protein change: p.Arg121Trp; replaces arginine 121 with tryptophan.
Molecular consequence: missense variant. On other transcripts: non-coding transcript variant (8), intron variant (1).
Genome position (GRCh38, 1-based): chr1:43,894,441, C>T. VCF-style: chr1-43894441-C-T. GRCh37 (hg19) VCF-style: chr1-44360113-C-T.
Other names: c.361C>T, p.Arg121Trp (NM_001270459.2, NM_001350620.2, NM_174966.4 and 1 more transcripts); c.268C>T, p.Arg90Trp (NM_001270460.2); c.313C>T, p.Arg105Trp (NM_001270461.3, NM_001270464.3, NM_001410781.1 and 2 more transcripts); c.220C>T, p.Arg74Trp (NM_001270462.3); c.358C>T, p.Arg120Trp (NM_001270463.3, NM_001270465.3); c.406C>T, p.Arg136Trp (NM_001350619.2, NM_174964.4, NM_174965.4); c.82C>T, p.Arg28Trp (NM_001350621.2); c.523C>T, p.Arg175Trp (NM_001363573.2, NM_174968.5); and 3 more; short protein forms R136W, R159W, R74W, R120W, R190W, R28W, R105W, R121W.
Identifiers: ClinVar variation 2196501 (VCV002196501.4), dbSNP rs1416679783, ClinGen allele CA340269675.